The following is an entry in ClinVar:

ClinVar aggregate classification (germline): Uncertain significance. Review status: criteria provided, single submitter (1 of 4 stars). 2 submissions from 2 submitters: Uncertain significance (1). 1 of the submissions does not count toward it. Last evaluated 2025-09-02.

Conditions:
Meniere disease. Also called: Ménière's disease. Identifiers: MedGen C0025281, MONDO:0007972, OMIM 156000.

Allele frequency attached by ClinVar (database versions not stated): gnomAD 0.00001; ExAC 0.00002; gnomAD exomes 0.00002; TOPMed 0.00003.
gnomAD v4.1: 35 of 1,614,120 alleles (0.0022%); highest among the groups gnomAD compares: Admixed American, 0.017%; no homozygotes.

Submissions (2):

Labcorp Genetics (formerly Invitae), Labcorp
Classification: Uncertain significance. Last evaluated: 2025-09-02. Review status: criteria provided, single submitter. Criteria: Invitae Variant Classification Sherloc (09022015). Collection method: clinical testing. Allele origin: germline.
Comment: This sequence change replaces aspartic acid, which is acidic and polar, with tyrosine, which is neutral and polar, at codon 263 of the MYH3 protein (p.Asp263Tyr). This variant is present in population databases (rs771509347, gnomAD 0.003%). This variant has not been reported in the literature in individuals affected with MYH3-related conditions. ClinVar contains an entry for this variant (Variation ID: 1439380). Invitae Evidence Modeling of protein sequence and biophysical properties (such as structural, functional, and spatial information, amino acid conservation, physicochemical variation, residue mobility, and thermodynamic stability) has been performed for this missense variant. However, the output from this modeling did not meet the statistical confidence thresholds required to predict the impact of this variant on MYH3 protein function. Algorithms developed to predict the effect of sequence changes on RNA splicing suggest that this variant may disrupt the consensus splice site. In summary, the available evidence is currently insufficient to determine the role of this variant in disease. Therefore, it has been classified as a Variant of Uncertain Significance.

Center for Computational Biology & Bioinformatics, University of California, San Diego
Classification: Uncertain significance for Meniere disease. Last evaluated: 2024-06-03. Review status: no assertion criteria provided. Collection method: research. Allele origin: germline. Affected: yes. Not counted in ClinVar's aggregate classification.

NM_002470.4(MYH3):c.787G>T (p.Asp263Tyr)

Gene: MYH3 (myosin heavy chain 3; minus strand). Cytogenetic location: 17p13.1.
Variant type: single nucleotide variant.
Coding change: c.787G>T on transcript NM_002470.4 (MANE Select); coding-DNA position 787, G replaced by T.
Protein change: p.Asp263Tyr; replaces aspartic acid 263 with tyrosine.
Molecular consequence: missense variant.
Genome position (GRCh38, 1-based): chr17:10,647,375, C>A on the plus strand (G>T on the coding strand, the complement: MYH3 is on the minus strand). VCF-style: chr17-10647375-C-A. GRCh37 (hg19) VCF-style: chr17-10550692-C-A.
Other names: short protein forms D263Y.
Identifiers: ClinVar variation 1439380 (VCV001439380.7), dbSNP rs771509347, ClinGen allele CA8393160.
Genomic context (GRCh38, chr17:10,647,375, plus strand): 5'-TTCCCAGTTAACTCTGAGACGCCATCGAATCCCCATGGATCTACTTACAAGTTTCAATAT[C>A]TGCAGAGGCCAGCTTCCCAGTGGTTCCAAAATGGATTCGGATGAACTTGCCCTGTATGGG-3'
Protein context (NP_002461.2, residues 253-273): FGTTGKLASA[Asp263Tyr]IETYLLEKSR